The following is an entry in ClinVar:

NM_015225.3(PRUNE2):c.1006G>T (p.Glu336Ter)

Gene: PRUNE2 (prune homolog 2 with BCH domain; minus strand). Cytogenetic location: 9q21.2.
Variant type: single nucleotide variant.
Coding change: c.1006G>T on transcript NM_015225.3 (MANE Select); coding-DNA position 1006, G replaced by T.
Protein change: p.Glu336Ter; replaces glutamic acid 336 with a stop codon.
Molecular consequence: nonsense. On other transcripts: non-coding transcript variant (1).
Genome position (GRCh38, 1-based): chr9:76,711,268, C>A on the plus strand (G>T on the coding strand, the complement: PRUNE2 is on the minus strand). VCF-style: chr9-76711268-C-A. GRCh37 (hg19) VCF-style: chr9-79326184-C-A.
Other names: c.1006G>T, p.Glu336Ter (NM_001308047.2, NM_001308048.2); short protein forms E336*.
Identifiers: ClinVar variation 4881539 (VCV004881539.2).

ClinVar aggregate classification (germline): Uncertain significance (1 of 4 stars; one submission).

Submission:

Dasa
Classification: Uncertain significance. Last evaluated: 2024-11-11. Review status: criteria provided, single submitter. Criteria: DASA Assertion Criteria. Collection method: clinical testing. Allele origin: germline.
Comment: NM_015225.3(PRUNE2):c.1006G>T (p.Glu336*) is a nonsense variant in PRUNE2 predicted to introduce a premature termination codon. This variant is absent from population databases. The currently available literature and clinical evidence are not sufficient to establish a definitive association between this variant and the reported condition. Therefore, this variant is classified as a variant of uncertain significance.